The following is an entry in ClinVar:

ClinVar aggregate classification (germline): Uncertain significance. Review status: criteria provided, multiple submitters, no conflicts (2 of 4 stars). 2 submissions from 2 submitters: Uncertain significance (2). Last evaluated 2024-04-29.

Conditions:
Microcephalic primordial dwarfism due to RTTN deficiency (MSSP). Also called: MICROCEPHALY, SHORT STATURE, AND POLYMICROGYRIA; Microcephaly, short stature, and polymicrogyria with or without seizures. Identifiers: Orphanet 468631, MedGen C3553831, MONDO:0018764, OMIM 614833.

Allele frequency attached by ClinVar (database versions not stated): gnomAD 0.00006 and 0.00015; TOPMed 0.00006; gnomAD exomes 0.00013 and 0.00017; ESP Exome Variant Server 0.00017; ExAC 0.00018.
gnomAD v4.1: 212 of 1,612,606 alleles (0.013%); highest among the groups gnomAD compares: Middle Eastern, 0.17%; 5 homozygotes.

Submissions (2):

Labcorp Genetics (formerly Invitae), Labcorp
Classification: Uncertain significance. Last evaluated: 2024-04-29. Review status: criteria provided, single submitter. Criteria: Invitae Variant Classification Sherloc (09022015). Collection method: clinical testing. Allele origin: germline.
Comment: This sequence change replaces glutamic acid, which is acidic and polar, with lysine, which is basic and polar, at codon 593 of the RTTN protein (p.Glu593Lys). This variant is present in population databases (rs371732895, gnomAD 0.09%). This variant has not been reported in the literature in individuals affected with RTTN-related conditions. ClinVar contains an entry for this variant (Variation ID: 1505982). Advanced modeling of protein sequence and biophysical properties (such as structural, functional, and spatial information, amino acid conservation, physicochemical variation, residue mobility, and thermodynamic stability) performed at Invitae indicates that this missense variant is not expected to disrupt RTTN protein function with a negative predictive value of 80%. In summary, the available evidence is currently insufficient to determine the role of this variant in disease. Therefore, it has been classified as a Variant of Uncertain Significance.

Victorian Clinical Genetics Services, Murdoch Childrens Research Institute
Classification: Uncertain significance for Microcephalic primordial dwarfism due to RTTN deficiency. Last evaluated: 2020-10-19. Review status: criteria provided, single submitter. Criteria: ACMG Guidelines, 2015. Collection method: clinical testing. Allele origin: germline. Inheritance: Autosomal recessive inheritance. Affected: yes.
Comment: Based on the classification scheme VCGS_Germline_v1.3.3, this variant is classified as 3C-VUS. Following criteria are met: 0102 - Loss of function is a known mechanism of disease in this gene and is associated with microcephaly, short stature, and polymicrogyria with seizures (MIM#614833). (I) 0106 - This gene is associated with autosomal recessive disease. (I) 0200 - Variant is predicted to result in a missense amino acid change from glutamic acid to lysine. (I) 0251 - This variant is heterozygous. (I) 0304 - Variant is present in gnomAD (v2) <0.01 for a recessive condition (46 heterozygotes, 0 homozygotes). (SP) 0309 - An alternative amino acid change at the same position has been observed in gnomAD (v3) (1 heterozygote, 0 homozygotes). (I) 0503 - Missense variant consistently predicted to be tolerated by multiple in silico tools or not conserved in placental mammals with a minor amino acid change. (SB) 0604 - Variant is not located in an established domain, motif, hotspot or informative constraint region. (I) 0705 - No comparable missense variants have previous evidence for pathogenicity. (I) 0807 - This variant has no previous evidence of pathogenicity. (I) 0905 - No published segregation evidence has been identified for this variant. (I) 1007 - No published functional evidence has been identified for this variant. (I) 1208 - Inheritance information for this variant is not currently available in this individual. (I) Legend: (SP) - Supporting pathogenic, (I) - Information, (SB) - Supporting benign

NM_173630.4(RTTN):c.1777G>A (p.Glu593Lys)

Gene: RTTN (rotatin; minus strand). Cytogenetic location: 18q22.2.
Variant type: single nucleotide variant.
Coding change: c.1777G>A on transcript NM_173630.4 (MANE Select); coding-DNA position 1777, G replaced by A.
Protein change: p.Glu593Lys; replaces glutamic acid 593 with lysine.
Molecular consequence: missense variant. On other transcripts: 5 prime UTR variant (1).
Genome position (GRCh38, 1-based): chr18:70,166,944, C>T on the plus strand (G>A on the coding strand, the complement: RTTN is on the minus strand). VCF-style: chr18-70166944-C-T. GRCh37 (hg19) VCF-style: chr18-67834180-C-T.
Other names: c.-871G>A (NM_001318520.2); c.1777G>A (NM_173630.3); short protein forms E593K.
Identifiers: ClinVar variation 1505982 (VCV001505982.7), dbSNP rs371732895, ClinGen allele CA8996087.